The following is an entry in ClinVar:

NM_020223.4(FAM20C):c.322_323delinsTT (p.Glu108Leu)

Gene: FAM20C (FAM20C golgi associated secretory pathway kinase; plus strand). Cytogenetic location: 7p22.3.
Variant type: Indel.
Coding change: c.322_323delinsTT on transcript NM_020223.4 (MANE Select); coding-DNA positions 322 to 323, GA replaced by TT.
Protein change: p.Glu108Leu; replaces glutamic acid 108 with leucine.
Molecular consequence: missense variant.
Genome position (GRCh38, 1-based): chr7:193,521-193,522, GA replaced by TT. VCF-style: chr7-193521-GA-TT. GRCh37 (hg19) VCF-style: chr7-193521-GA-TT.
Other names: short protein forms E108L.
Identifiers: ClinVar variation 1938470 (VCV001938470.4), dbSNP rs2534528668, ClinGen allele CA2580077000.

ClinVar aggregate classification (germline): Uncertain significance (1 of 4 stars; one submission).

Submission:

Labcorp Genetics (formerly Invitae), Labcorp
Classification: Uncertain significance. Last evaluated: 2022-06-09. Review status: criteria provided, single submitter. Criteria: Invitae Variant Classification Sherloc (09022015). Collection method: clinical testing. Allele origin: germline.
Comment: In summary, the available evidence is currently insufficient to determine the role of this variant in disease. Therefore, it has been classified as a Variant of Uncertain Significance. Algorithms developed to predict the effect of missense changes on protein structure and function are either unavailable or do not agree on the potential impact of this missense change (SIFT: "Not Available"; PolyPhen-2: "Probably Damaging"; Align-GVGD: "Not Available"). This variant has not been reported in the literature in individuals affected with FAM20C-related conditions. This variant is present in population databases (no rsID available, gnomAD 0.3%). This sequence change replaces glutamic acid, which is acidic and polar, with leucine, which is neutral and non-polar, at codon 108 of the FAM20C protein (p.Glu108Leu).